The following is an entry in ClinVar:

NM_005529.7(HSPG2):c.10233G>C (p.Lys3411Asn)

Gene: HSPG2 (heparan sulfate proteoglycan 2; minus strand). Cytogenetic location: 1p36.12.
Variant type: single nucleotide variant.
Coding change: c.10233G>C on transcript NM_005529.7 (MANE Select); coding-DNA position 10233, G replaced by C.
Protein change: p.Lys3411Asn; replaces lysine 3411 with asparagine.
Molecular consequence: missense variant.
Genome position (GRCh38, 1-based): chr1:21,836,924, C>G on the plus strand (G>C on the coding strand, the complement: HSPG2 is on the minus strand). VCF-style: chr1-21836924-C-G. GRCh37 (hg19) VCF-style: chr1-22163417-C-G.
Other names: c.10236G>C, p.Lys3412Asn (NM_001291860.2); short protein forms K3412N, K3411N.
Identifiers: ClinVar variation 2861334 (VCV002861334.3), dbSNP rs1032283292, ClinGen allele CA338910922.

ClinVar aggregate classification (germline): Uncertain significance (1 of 4 stars; one submission).

Submission:

Labcorp Genetics (formerly Invitae), Labcorp
Classification: Uncertain significance. Last evaluated: 2023-05-01. Review status: criteria provided, single submitter. Criteria: Invitae Variant Classification Sherloc (09022015). Collection method: clinical testing. Allele origin: germline.
Comment: This variant is not present in population databases (gnomAD no frequency). This sequence change replaces lysine, which is basic and polar, with asparagine, which is neutral and polar, at codon 3411 of the HSPG2 protein (p.Lys3411Asn). This variant has not been reported in the literature in individuals affected with HSPG2-related conditions. An algorithm developed to predict the effect of missense changes on protein structure and function (PolyPhen-2) suggests that this variant is likely to be disruptive. In summary, the available evidence is currently insufficient to determine the role of this variant in disease. Therefore, it has been classified as a Variant of Uncertain Significance.